The following is an entry in ClinVar:

NM_203446.3(SYNJ1):c.*704C>G

Gene: SYNJ1 (synaptojanin 1; minus strand). Cytogenetic location: 21q22.11.
Variant type: single nucleotide variant.
Coding change: c.*704C>G on transcript NM_203446.3 (MANE Select); 704 bases downstream of the stop codon, C replaced by G.
Molecular consequence: 3 prime UTR variant. On other transcripts: missense variant (2).
Genome position (GRCh38, 1-based): chr21:32,631,101, G>C on the plus strand (C>G on the coding strand, the complement: SYNJ1 is on the minus strand). VCF-style: chr21-32631101-G-C. GRCh37 (hg19) VCF-style: chr21-34003411-G-C.
Other names: c.*704C>G (NM_001160302.2); c.4475C>G, p.Pro1492Arg (NM_001160306.2); c.4733C>G, p.Pro1578Arg (NM_003895.4); short protein forms P1492R, P1578R.
Identifiers: ClinVar variation 953612 (VCV000953612.9), dbSNP rs367591704, ClinGen allele CA10003060.

ClinVar aggregate classification (germline): Uncertain significance. Review status: criteria provided, multiple submitters, no conflicts (2 of 4 stars). 2 submissions from 2 submitters: Uncertain significance (2). Last evaluated 2023-02-27.

Conditions:
Early-onset Parkinson disease 20. Also called: PARKINSON DISEASE 20, AUTOSOMAL RECESSIVE EARLY-ONSET. Identifiers: Orphanet 391411, MedGen C3809824, MONDO:0014233, OMIM 615530.
Developmental and epileptic encephalopathy, 53. Also called: Epileptic encephalopathy, early infantile, 53. Identifiers: MedGen C4479313, MONDO:0033362, OMIM 617389.
Inborn genetic diseases. Identifiers: MedGen C0950123, MeSH D030342.

Allele frequency attached by ClinVar (database versions not stated): TOPMed 0.00002; gnomAD 0.00003; ExAC 0.00004; ESP Exome Variant Server 0.00008.
gnomAD v4.1: 7 of 1,614,092 alleles (0.00043%); highest among the groups gnomAD compares: African/African-American, 0.0093%; no homozygotes.

Submissions (2):

Ambry Genetics
Classification: Uncertain significance for Inborn genetic diseases. Last evaluated: 2023-02-27. Review status: criteria provided, single submitter. Criteria: Ambry Variant Classification Scheme 2023. Collection method: clinical testing. Allele origin: germline.

Labcorp Genetics (formerly Invitae), Labcorp
Classification: Uncertain significance for Developmental and epileptic encephalopathy, 53; Early-onset Parkinson disease 20. Last evaluated: 2021-09-01. Review status: criteria provided, single submitter. Criteria: Invitae Variant Classification Sherloc (09022015). Collection method: clinical testing. Allele origin: germline.
Comment: This sequence change replaces proline with arginine at codon 1578 of the SYNJ1 protein (p.Pro1578Arg). The proline residue is highly conserved and there is a moderate physicochemical difference between proline and arginine. This variant is present in population databases (rs367591704, ExAC 0.05%). This variant has not been reported in the literature in individuals affected with SYNJ1-related conditions. Algorithms developed to predict the effect of missense changes on protein structure and function are either unavailable or do not agree on the potential impact of this missense change (SIFT: "Deleterious"; PolyPhen-2: "Probably Damaging"; Align-GVGD: "Class C0"). In summary, the available evidence is currently insufficient to determine the role of this variant in disease. Therefore, it has been classified as a Variant of Uncertain Significance.